The following is an entry in ClinVar:

NM_014991.6(WDFY3):c.550G>A (p.Gly184Arg)

Gene: WDFY3 (WD repeat and FYVE domain containing 3; minus strand). Cytogenetic location: 4q21.23.
Variant type: single nucleotide variant.
Coding change: c.550G>A on transcript NM_014991.6 (MANE Select); coding-DNA position 550, G replaced by A.
Protein change: p.Gly184Arg; replaces glycine 184 with arginine.
Molecular consequence: missense variant.
Genome position (GRCh38, 1-based): chr4:84,836,955, C>T on the plus strand (G>A on the coding strand, the complement: WDFY3 is on the minus strand). VCF-style: chr4-84836955-C-T. GRCh37 (hg19) VCF-style: chr4-85758108-C-T.
Other names: short protein forms G184R.
Identifiers: ClinVar variation 4880981 (VCV004880981.2).

ClinVar aggregate classification (germline): Uncertain significance (1 of 4 stars; one submission).

Submission:

Dasa
Classification: Uncertain significance. Last evaluated: 2026-01-22. Review status: criteria provided, single submitter. Criteria: DASA Assertion Criteria. Collection method: clinical testing. Allele origin: germline.
Comment: NM_014991.6(WDFY3):c.550G>A (p.Gly184Arg) is a missense variant that results in the substitution of glycine with arginine. This variant is rare in population databases. The currently available literature and clinical evidence are not sufficient to establish a definitive association between this variant and the reported condition. Therefore, this variant is classified as a variant of uncertain significance.